The following is an entry in ClinVar:

NM_000352.6(ABCC8):c.2120A>C (p.Gln707Pro)

Gene: ABCC8 (ATP binding cassette subfamily C member 8; minus strand). Cytogenetic location: 11p15.1.
Variant type: single nucleotide variant.
Coding change: c.2120A>C on transcript NM_000352.6 (MANE Select); coding-DNA position 2120, A replaced by C.
Protein change: p.Gln707Pro; replaces glutamine 707 with proline.
Molecular consequence: missense variant. On other transcripts: non-coding transcript variant (1).
Genome position (GRCh38, 1-based): chr11:17,427,151, T>G on the plus strand (A>C on the coding strand, the complement: ABCC8 is on the minus strand). VCF-style: chr11-17427151-T-G. GRCh37 (hg19) VCF-style: chr11-17448698-T-G.
Other names: c.2120A>C (NM_000352.4); c.2120A>C, p.Gln707Pro (NM_001287174.3); c.2186A>C, p.Gln729Pro (NM_001351295.2); c.2117A>C, p.Gln706Pro (NM_001351296.2, NM_001351297.2); short protein forms Q729P, Q706P, Q707P.
Identifiers: ClinVar variation 2307962 (VCV002307962.4), dbSNP rs765287539, ClinGen allele CA379813824.

ClinVar aggregate classification (germline): Uncertain significance. Review status: criteria provided, multiple submitters, no conflicts (2 of 4 stars). 3 submissions from 3 submitters: Uncertain significance (2). 1 of the submissions does not count toward it. Last evaluated 2025-12-02.

Conditions:
Hereditary hyperinsulinism.
ABCC8-related disorder.
Inborn genetic diseases. Identifiers: MedGen C0950123, MeSH D030342.

Submissions (3):

PreventionGenetics, part of Exact Sciences
Classification: Uncertain significance for ABCC8-related condition. Last evaluated: 2025-12-02. Review status: criteria provided, single submitter. Criteria: ACMG Guidelines, 2015. Collection method: clinical testing. Allele origin: germline.
Comment: The ABCC8 c.2120A>C variant is predicted to result in the amino acid substitution p.Gln707Pro. To our knowledge, this variant has not been reported in the literature or in a large population database (gnomAD), indicating this variant is rare. At this time, the clinical significance of this variant is uncertain due to the absence of conclusive functional and genetic evidence.

Ambry Genetics
Classification: Uncertain significance for Inborn genetic diseases. Last evaluated: 2022-08-17. Review status: criteria provided, single submitter. Criteria: Ambry Variant Classification Scheme 2023. Collection method: clinical testing. Allele origin: germline.

Natera, Inc.
Classification: Uncertain significance for Hereditary hyperinsulinism. Last evaluated: 2025-04-10. Review status: no assertion criteria provided. Collection method: clinical testing. Allele origin: germline. Not counted in ClinVar's aggregate classification.